The following is an entry in ClinVar:

NM_001267550.2(TTN):c.90698G>A (p.Arg30233Gln)

Genes: TTN-AS1 (TTN antisense RNA 1; plus strand), TTN (titin; minus strand). Cytogenetic location: 2q31.2.
Variant type: single nucleotide variant.
Coding change: c.90698G>A on transcript NM_001267550.2 (MANE Select); coding-DNA position 90698, G replaced by A.
Protein change: p.Arg30233Gln; replaces arginine 30233 with glutamine.
Molecular consequence: missense variant.
Genome position (GRCh38, 1-based): chr2:178,552,202, C>T on the plus strand (G>A on the coding strand, the complement: TTN is on the minus strand). VCF-style: chr2-178552202-C-T. GRCh37 (hg19) VCF-style: chr2-179416929-C-T.
Other names: c.85775G>A, p.Arg28592Gln (NM_001256850.1); c.63503G>A, p.Arg21168Gln (NM_003319.4); c.82994G>A, p.Arg27665Gln (NM_133378.4); c.63878G>A, p.Arg21293Gln (NM_133432.3); c.64079G>A, p.Arg21360Gln (NM_133437.4); short protein forms R21293Q, R30233Q, R27665Q, R21168Q, R21360Q, R28592Q.
Identifiers: ClinVar variation 1753009 (VCV001753009.7), dbSNP rs757438306, ClinGen allele CA1987756.

ClinVar aggregate classification (germline): Uncertain significance. Review status: criteria provided, multiple submitters, no conflicts (2 of 4 stars). 3 submissions from 3 submitters: Uncertain significance (3). Last evaluated 2026-01-01.

Conditions:
Cardiovascular phenotype. Identifiers: MedGen CN230736.

Allele frequency attached by ClinVar (database versions not stated): gnomAD exomes 0.00001; TOPMed 0.00001; gnomAD 0.00002; ExAC 0.00006.
gnomAD v4.1: 25 of 1,613,410 alleles (0.0015%); highest among the groups gnomAD compares: East Asian, 0.011%; no homozygotes.

Submissions (3):

CeGaT Center for Human Genetics Tuebingen
Classification: Uncertain significance. Last evaluated: 2026-01-01. Review status: criteria provided, single submitter. Criteria: CeGaT Center For Human Genetics Tuebingen Variant Classification Criteria Version 2. Collection method: clinical testing. Allele origin: germline. Affected: yes. Observed: 1 variant allele.
Comment: TTN: PM2, BP4

Revvity Omics, Revvity
Classification: Uncertain significance. Last evaluated: 2023-09-18. Review status: criteria provided, single submitter. Criteria: ACMG Guidelines, 2015. Collection method: clinical testing. Allele origin: germline.

Ambry Genetics
Classification: Uncertain significance for Cardiovascular phenotype. Last evaluated: 2019-04-15. Review status: criteria provided, single submitter. Criteria: Ambry Variant Classification Scheme 2023. Collection method: clinical testing. Allele origin: germline.
Comment: The p.R21168Q variant (also known as c.63503G>A), located in coding exon 162 of the TTN gene, results from a G to A substitution at nucleotide position 63503. The arginine at codon 21168 is replaced by glutamine, an amino acid with highly similar properties. This amino acid position is well conserved in available vertebrate species; however, glutamine is the reference amino acid in other vertebrate species. In addition, this alteration is predicted to be tolerated by in silico analysis. Since supporting evidence is limited at this time, the clinical significance of this alteration remains unclear.